The following is an entry in ClinVar:

ClinVar aggregate classification (germline): Conflicting classifications of pathogenicity. Review status: criteria provided, conflicting classifications (1 of 4 stars). 4 submissions from 4 submitters: Uncertain significance (3); Benign (1). Last evaluated 2025-08-28.

Conditions:
Familial hypobetalipoproteinemia 1. Also called: APOB-Related Familial Hypobetalipoproteinemia; Hypobetalipoproteinemia, normotriglyceridemic; Acanthocytosis with hypobetalipoproteinemia. Identifiers: MedGen C4551990, MONDO:0014252, OMIM 615558.
Hypercholesterolemia, autosomal dominant, type B (FHCL2). Also called: Hyperlipoproteinemia Type IIb; Familial hypercholesterolemia 2; Familial Hypercholesterolemia Type B; APOLIPOPROTEIN B-100, FAMILIAL DEFECTIVE; APOLIPOPROTEIN B-100, FAMILIAL LIGAND-DEFECTIVE; HYPERCHOLESTEROLEMIA, FAMILIAL, DUE TO LIGAND-DEFECTIVE APOLIPOPROTEIN B. Identifiers: MedGen C1704417, MONDO:0007751, OMIM 144010.
Cardiovascular phenotype. Identifiers: MedGen CN230736.

Allele frequency attached by ClinVar (database versions not stated): gnomAD exomes below 0.00001; ExAC 0.00002.
gnomAD v4.1: 6 of 1,613,912 alleles (0.00037%); highest among the groups gnomAD compares: African/African-American, 0.008%; no homozygotes.

Submissions (4):

Quest Diagnostics Nichols Institute San Juan Capistrano
Classification: Uncertain significance. Last evaluated: 2025-08-28. Review status: criteria provided, single submitter. Criteria: Quest Diagnostics criteria. Collection method: clinical testing. Allele origin: unknown.
Comment: The APOB c.7298A>T (p.His2433Leu) variant has not been reported in individuals with APOB-related conditions in the published literature. The frequency of this variant in the general population (Genome Aggregation Database) is uninformative in the assessment of its pathogenicity. Analysis of this variant using bioinformatics tools for the prediction of the effect of amino acid changes on protein structure and function yielded predictions that this variant is benign. Based on the available information, we are unable to determine the clinical significance of this variant.

GeneDx
Classification: Uncertain significance. Last evaluated: 2025-04-22. Review status: criteria provided, single submitter. Criteria: GeneDx Variant Classification Process June 2021. Collection method: clinical testing. Allele origin: germline. Affected: yes.
Comment: Not observed at significant frequency in large population cohorts (gnomAD); In silico analysis supports that this missense variant has a deleterious effect on protein structure/function; Has not been previously published as pathogenic or benign to our knowledge

Ambry Genetics
Classification: Uncertain significance for Cardiovascular phenotype. Last evaluated: 2024-06-27. Review status: criteria provided, single submitter. Criteria: Ambry Variant Classification Scheme 2023. Collection method: clinical testing. Allele origin: germline.
Comment: The p.H2433L variant (also known as c.7298A>T), located in coding exon 26 of the APOB gene, results from an A to T substitution at nucleotide position 7298. The histidine at codon 2433 is replaced by leucine, an amino acid with similar properties. This amino acid position is conserved. In addition, this alteration is predicted to be tolerated by in silico analysis. Since supporting evidence is limited at this time, the clinical significance of this alteration remains unclear.

Labcorp Genetics (formerly Invitae), Labcorp
Classification: Benign for Familial hypobetalipoproteinemia 1; Hypercholesterolemia, autosomal dominant, type B. Last evaluated: 2024-03-13. Review status: criteria provided, single submitter. Criteria: Invitae Variant Classification Sherloc (09022015). Collection method: clinical testing. Allele origin: germline.

NM_000384.3(APOB):c.7298A>T (p.His2433Leu)

Gene: APOB (apolipoprotein B; minus strand). Cytogenetic location: 2p24.1.
Variant type: single nucleotide variant.
Coding change: c.7298A>T on transcript NM_000384.3 (MANE Select); coding-DNA position 7298, A replaced by T.
Protein change: p.His2433Leu; replaces histidine 2433 with leucine.
Molecular consequence: missense variant.
Genome position (GRCh38, 1-based): chr2:21,009,570, T>A on the plus strand (A>T on the coding strand, the complement: APOB is on the minus strand). VCF-style: chr2-21009570-T-A. GRCh37 (hg19) VCF-style: chr2-21232442-T-A.
Other names: short protein forms H2433L.
Identifiers: ClinVar variation 1758133 (VCV001758133.8), dbSNP rs747588681, ClinGen allele CA064294.
Genomic context (GRCh38, chr2:21,009,570, plus strand): 5'-TCACCATTGAGTCTCTGAGTCACCTCACGGATTTTGTCATTGGTTTCATCTACAAACTGG[T>A]GGTAATCAAATGACTTTAATTTCTTTATCAACATGTCAAGGAATTTGTTAACATCTTCAA-3'
Protein context (NP_000375.3, residues 2423-2443): LIKKLKSFDY[His2433Leu]QFVDETNDKI